The following is an entry in ClinVar:

NM_001204.7(BMPR2):c.2804C>G (p.Ala935Gly)

Gene: BMPR2 (bone morphogenetic protein receptor type 2; plus strand). Cytogenetic location: 2q33.2.
Variant type: single nucleotide variant.
Coding change: c.2804C>G on transcript NM_001204.7 (MANE Select); coding-DNA position 2804, C replaced by G.
Protein change: p.Ala935Gly; replaces alanine 935 with glycine.
Molecular consequence: missense variant.
Genome position (GRCh38, 1-based): chr2:202,556,469, C>G. VCF-style: chr2-202556469-C-G. GRCh37 (hg19) VCF-style: chr2-203421192-C-G.
Other names: short protein forms A935G.
Identifiers: ClinVar variation 5033079 (VCV005033079.1).

ClinVar aggregate classification (germline): Uncertain significance (1 of 4 stars; one submission).

Conditions:
Inborn genetic diseases. Identifiers: MedGen C0950123, MeSH D030342.

Submission:

Ambry Genetics
Classification: Uncertain significance for Inborn genetic diseases. Last evaluated: 2026-07-09. Review status: criteria provided, single submitter. Criteria: Ambry Variant Classification Scheme 2023. Collection method: clinical testing. Allele origin: germline.
Comment: The p.A935G variant (also known as c.2804C>G), located in coding exon 12 of the BMPR2 gene, results from a C to G substitution at nucleotide position 2804. The alanine at codon 935 is replaced by glycine, an amino acid with similar properties. This amino acid position is conserved. In addition, the in silico prediction for this alteration is inconclusive. Based on the available evidence, the clinical significance of this variant remains unclear.